The following is an entry in ClinVar:

ClinVar aggregate classification (germline): Uncertain significance (1 of 4 stars; one submission).

Submission:

GeneDx
Classification: Uncertain significance. Last evaluated: 2022-12-04. Review status: criteria provided, single submitter. Criteria: GeneDx Variant Classification Process June 2021. Collection method: clinical testing. Allele origin: germline. Affected: yes.
Comment: Not observed at significant frequency in large population cohorts (gnomAD); In silico analysis supports that this missense variant does not alter protein structure/function; Has not been previously published as pathogenic or benign to our knowledge

NM_001130021.3(ATP6V0A1):c.312T>G (p.Ile104Met)

Gene: ATP6V0A1 (ATPase H+ transporting V0 subunit a1; plus strand). Cytogenetic location: 17q21.2.
Variant type: single nucleotide variant.
Coding change: c.312T>G on transcript NM_001130021.3 (MANE Select); coding-DNA position 312, T replaced by G.
Protein change: p.Ile104Met; replaces isoleucine 104 with methionine.
Molecular consequence: missense variant. On other transcripts: intron variant (5).
Genome position (GRCh38, 1-based): chr17:42,470,107, T>G. VCF-style: chr17-42470107-T-G. GRCh37 (hg19) VCF-style: chr17-40622125-T-G.
Other names: c.312T>G, p.Ile104Met (NM_001378533.1, NM_001378534.1, NM_001378535.1 and 21 more transcripts); c.132T>G, p.Ile44Met (NM_001378543.1, NM_001378549.1, NM_001378553.1); c.294+2000T>G (NM_001378536.1, NM_001378550.1, NM_001378556.1 and 2 more transcripts); short protein forms I104M, I44M.
Identifiers: ClinVar variation 2504244 (VCV002504244.1), dbSNP rs2510033476, ClinGen allele CA399580321.